The following is an entry in ClinVar:

NM_015102.5(NPHP4):c.4179T>A (p.Phe1393Leu)

Gene: NPHP4 (nephrocystin 4; minus strand). Cytogenetic location: 1p36.31.
Variant type: single nucleotide variant.
Coding change: c.4179T>A on transcript NM_015102.5 (MANE Select); coding-DNA position 4179, T replaced by A.
Protein change: p.Phe1393Leu; replaces phenylalanine 1393 with leucine.
Molecular consequence: missense variant. On other transcripts: non-coding transcript variant (1).
Genome position (GRCh38, 1-based): chr1:5,863,367, A>T on the plus strand (T>A on the coding strand, the complement: NPHP4 is on the minus strand). VCF-style: chr1-5863367-A-T. GRCh37 (hg19) VCF-style: chr1-5923427-A-T.
Other names: c.2640T>A, p.Phe880Leu (NM_001291593.2); c.2643T>A, p.Phe881Leu (NM_001291594.2); short protein forms F1393L, F880L, F881L.
Identifiers: ClinVar variation 95686 (VCV000095686.30), dbSNP rs35641267, ClinGen allele CA148749.

ClinVar aggregate classification (germline): Conflicting classifications of pathogenicity. Review status: criteria provided, conflicting classifications (1 of 4 stars). 12 submissions from 11 submitters: Uncertain significance (3); Benign (1); Likely benign (4). 4 of the submissions do not count toward it. Last evaluated 2026-01-26.

Conditions:
NPHP4-related disorder. Also called: NPHP4-related disorders; NPHP4-related condition. Identifiers: MedGen CN239384.
Nephronophthisis. Also called: Juvenile Nephronophthisis. Identifiers: Orphanet 655, MedGen C0687120, MONDO:0019005, HP:0000090.
Nephronophthisis 4 (NPHP4). Also called: NEPHRONOPHTHISIS 4, JUVENILE. Identifiers: Orphanet 655, MedGen C1847013, MONDO:0011752, OMIM 606966.
Senior-Loken syndrome 4 (SLSN4). Identifiers: Orphanet 3156, MedGen C1846979, MONDO:0011756, OMIM 606996.
Retinal dystrophy. Also called: Inherited retinal dystrophy. Identifiers: Orphanet 71862, MedGen C0854723, MeSH D058499, MONDO:0019118, HP:0000556.

Allele frequency attached by ClinVar (database versions not stated): ESP Exome Variant Server 0.00183; 1000 Genomes Project 0.00060; 1000 Genomes Project 30x 0.00062; TOPMed 0.00151; gnomAD 0.00159 and 0.00163.
gnomAD v4.1: 4,067 of 1,613,996 alleles (0.25%); highest among the groups gnomAD compares: Non-Finnish European, 0.32%; 9 homozygotes.

Submissions (12):

Labcorp Genetics (formerly Invitae), Labcorp
Classification: Likely benign for Nephronophthisis. Last evaluated: 2026-01-26. Review status: criteria provided, single submitter. Criteria: Invitae Variant Classification Sherloc (09022015). Collection method: clinical testing. Allele origin: germline.

Blueprint Genetics
Classification: Likely benign. Last evaluated: 2024-11-18. Review status: criteria provided, single submitter. Criteria: ACMG Guidelines, 2015. Collection method: clinical testing. Allele origin: germline.

Mayo Clinic Laboratories, Mayo Clinic
Classification: Likely benign. Last evaluated: 2024-11-05. Review status: criteria provided, single submitter. Criteria: ACMG Guidelines, 2015. Collection method: clinical testing. Allele origin: germline. Observed: 2 variant alleles.
Comment: BS1

Institute of Human Genetics, Univ. Regensburg, Univ. Regensburg
Classification: Uncertain significance for Retinal dystrophy. Last evaluated: 2022-01-01. Review status: criteria provided, single submitter. Criteria: ACMG Guidelines, 2015. Collection method: clinical testing. Allele origin: germline. Affected: yes.

Department of Pathology and Laboratory Medicine, Sinai Health System
Classification: Likely benign for Nephronophthisis 4; Senior-Loken syndrome 4. Last evaluated: 2020-08-31. Review status: criteria provided, single submitter. Criteria: ACMG Guidelines, 2015. Collection method: research. Allele origin: germline.

Illumina Laboratory Services, Illumina
Classification: Uncertain significance for Nephronophthisis 4. Last evaluated: 2017-04-27. Review status: criteria provided, single submitter. Criteria: ICSL Variant Classification Criteria 13 December 2019. Collection method: clinical testing. Allele origin: germline.
Comment: This variant was observed as part of a predisposition screen in an ostensibly healthy population. A literature search was performed for the gene, cDNA change, and amino acid change (where applicable). Publications were found based on this search. However, the evidence from the literature, in combination with allele frequency data from public databases where available, was not sufficient to rule this variant in or out of causing disease. Therefore, this variant is classified as a variant of unknown significance.

Illumina Laboratory Services, Illumina
Classification: Uncertain significance for Senior-Loken syndrome 4. Last evaluated: 2017-04-27. Review status: criteria provided, single submitter. Criteria: ICSL Variant Classification Criteria 13 December 2019. Collection method: clinical testing. Allele origin: germline.
Comment: the same text as in the submission from Illumina Laboratory Services, Illumina above.

Eurofins Ntd Llc (ga)
Classification: Benign. Last evaluated: 2013-02-22. Review status: criteria provided, single submitter. Criteria: EGL Classification Definitions 2015. Collection method: clinical testing. Allele origin: germline. Observed: 2 variant alleles, 2 heterozygotes.

PreventionGenetics, part of Exact Sciences
Classification: Likely benign for NPHP4-related condition. Last evaluated: 2022-08-09. Review status: no assertion criteria provided. Collection method: clinical testing. Allele origin: germline. Not counted in ClinVar's aggregate classification.
Comment: This variant is classified as likely benign based on ACMG/AMP sequence variant interpretation guidelines (Richards et al. 2015 PMID: 25741868, with internal and published modifications).

Clinical Genetics DNA and cytogenetics Diagnostics Lab, Erasmus MC, Erasmus Medical Center
Classification: Uncertain significance. Review status: no assertion criteria provided. Collection method: clinical testing. Allele origin: germline. Affected: yes. Study: VKGL Data-share Consensus. Not counted in ClinVar's aggregate classification.

Clinical Genetics, Academic Medical Center
Classification: Uncertain significance. Review status: no assertion criteria provided. Collection method: clinical testing. Allele origin: germline. Affected: yes. Study: VKGL Data-share Consensus. Not counted in ClinVar's aggregate classification.

Diagnostic Laboratory, Department of Genetics, University Medical Center Groningen
Classification: Uncertain significance. Review status: no assertion criteria provided. Collection method: clinical testing. Allele origin: germline. Affected: yes. Study: VKGL Data-share Consensus. Not counted in ClinVar's aggregate classification.

Literature cited by the submitters: PubMed 27004616 (cited by 3 submitters).